The following is an entry in ClinVar:

ClinVar aggregate classification (germline): Likely benign (0 of 4 stars; one submission).

Conditions:
HK2-related disorder. Also called: HK2-related condition.

Allele frequency attached by ClinVar (database versions not stated): gnomAD exomes 0.00007; TOPMed 0.00077; 1000 Genomes Project 0.00080; ExAC 0.00022; ESP Exome Variant Server 0.00054; gnomAD 0.00060; 1000 Genomes Project 30x 0.00094.
gnomAD v4.1: 199 of 1,614,162 alleles (0.012%); highest among the groups gnomAD compares: African/African-American, 0.25%; no homozygotes.

Submission:

PreventionGenetics, part of Exact Sciences
Classification: Likely benign for HK2-related condition. Last evaluated: 2019-04-01. Review status: no assertion criteria provided. Collection method: clinical testing. Allele origin: germline.
Comment: This variant is classified as likely benign based on ACMG/AMP sequence variant interpretation guidelines (Richards et al. 2015 PMID: 25741868, with internal and published modifications).

NM_000189.5(HK2):c.1992C>T (p.Thr664=)

Gene: HK2 (hexokinase 2; plus strand). Cytogenetic location: 2p12.
Variant type: single nucleotide variant.
Coding change: c.1992C>T on transcript NM_000189.5 (MANE Select); coding-DNA position 1992, C replaced by T.
Protein change: p.Thr664=; no amino-acid change (threonine 664 retained).
Molecular consequence: synonymous variant.
Genome position (GRCh38, 1-based): chr2:74,886,350, C>T. VCF-style: chr2-74886350-C-T. GRCh37 (hg19) VCF-style: chr2-75113477-C-T.
Other names: c.1908C>T, p.Thr636= (NM_001371525.2).
Identifiers: ClinVar variation 3051612 (VCV003051612.2), dbSNP rs28363051, ClinGen allele CA1731601.
Genomic context (GRCh38, chr2:74,886,350, plus strand): 5'-TCAGGAGTTTGACCTGGATGTGGTTGCTGTGGTGAACGACACAGTCGGAACTATGATGAC[C>T]TGTGGCTTTGAAGACCCTCACTGTGAAGTTGGCCTCATTGTTGGTAAGGACCCAGACTGT-3'
Protein context (NP_000180.2, residues 654-674): VVNDTVGTMM[Thr664=]CGFEDPHCEV